The following is an entry in ClinVar:

ClinVar aggregate classification (germline): Uncertain significance (1 of 4 stars; one submission).

Conditions:
Inborn genetic diseases. Identifiers: MedGen C0950123, MeSH D030342.

Submission:

Ambry Genetics
Classification: Uncertain significance for Inborn genetic diseases. Last evaluated: 2026-02-17. Review status: criteria provided, single submitter. Criteria: Ambry Variant Classification Scheme 2023. Collection method: clinical testing. Allele origin: germline.
Comment: The p.A507S variant (also known as c.1519G>T), located in coding exon 6 of the MBD4 gene, results from a G to T substitution at nucleotide position 1519. The alanine at codon 507 is replaced by serine, an amino acid with similar properties. This amino acid position is highly conserved in available vertebrate species. In addition, the in silico prediction for this alteration is inconclusive.

NM_001276270.2(MBD4):c.1519G>T (p.Ala507Ser)

Gene: MBD4 (methyl-CpG binding domain 4, DNA glycosylase; minus strand). Cytogenetic location: 3q21.3.
Variant type: single nucleotide variant.
Coding change: c.1519G>T on transcript NM_001276270.2 (MANE Select); coding-DNA position 1519, G replaced by T.
Protein change: p.Ala507Ser; replaces alanine 507 with serine.
Molecular consequence: missense variant.
Genome position (GRCh38, 1-based): chr3:129,433,122, C>A on the plus strand (G>T on the coding strand, the complement: MBD4 is on the minus strand). VCF-style: chr3-129433122-C-A. GRCh37 (hg19) VCF-style: chr3-129151965-C-A.
Other names: c.1537G>T, p.Ala513Ser (NM_001276271.2, NM_001276272.2, NM_003925.3); c.583G>T, p.Ala195Ser (NM_001276273.2); short protein forms A195S, A507S, A513S.
Identifiers: ClinVar variation 4825706 (VCV004825706.1).